The following is an entry in ClinVar:

NM_014263.4(YME1L1):c.359G>A (p.Arg120His)

Gene: YME1L1 (YME1 like 1 ATPase; minus strand). Cytogenetic location: 10p12.1.
Variant type: single nucleotide variant.
Coding change: c.359G>A on transcript NM_014263.4 (MANE Select); coding-DNA position 359, G replaced by A.
Protein change: p.Arg120His; replaces arginine 120 with histidine.
Molecular consequence: missense variant. On other transcripts: intron variant (1).
Genome position (GRCh38, 1-based): chr10:27,142,458, C>T on the plus strand (G>A on the coding strand, the complement: YME1L1 is on the minus strand). VCF-style: chr10-27142458-C-T. GRCh37 (hg19) VCF-style: chr10-27431387-C-T.
Other names: c.530G>A, p.Arg177His (NM_139312.3); c.331+2970G>A (NM_001253866.2); short protein forms R177H, R120H.
Identifiers: ClinVar variation 4708213 (VCV004708213.1).
Genomic context (GRCh38, chr10:27,142,458, plus strand): 5'-TGAAGATCTGAACAAATGCTTTGAAGAGCTCTTGAATGATGTCGATACAAGCAAGAGGAA[C>T]GTAATGTACTAAATATATCTAAGTTACCTGGAGGGAAATTGCAAAAAGTAAATTTTCTAA-3'
Protein context (NP_055078.1, residues 110-130): YGNLDIFSTL[Arg120His]SSCLYRHHSR

ClinVar aggregate classification (germline): Uncertain significance (1 of 4 stars; one submission).

gnomAD v4.1: 11 of 1,512,100 alleles (0.00073%); highest among the groups gnomAD compares: Admixed American, 0.0022%; no homozygotes.

Submission:

Labcorp Genetics (formerly Invitae), Labcorp
Classification: Uncertain significance. Last evaluated: 2026-01-21. Review status: criteria provided, single submitter. Criteria: Invitae Variant Classification Sherloc (09022015). Collection method: clinical testing. Allele origin: germline.
Comment: This sequence change replaces arginine, which is basic and polar, with histidine, which is basic and polar, at codon 177 of the YME1L1 protein (p.Arg177His). The frequency data for this variant in the population databases is considered unreliable, as metrics indicate poor data quality at this position in the gnomAD database. This variant has not been reported in the literature in individuals affected with YME1L1-related conditions. An algorithm developed to predict the effect of missense changes on protein structure and function (PolyPhen-2) suggests that this variant is likely to be tolerated. In summary, the available evidence is currently insufficient to determine the role of this variant in disease. Therefore, it has been classified as a Variant of Uncertain Significance.